The following is an entry in ClinVar:

ClinVar aggregate classification (germline): Uncertain significance. Review status: criteria provided, multiple submitters, no conflicts (2 of 4 stars). 2 submissions from 2 submitters: Uncertain significance (2). Last evaluated 2026-01-19.

Allele frequency attached by ClinVar (database versions not stated): ExAC 0.00006; gnomAD exomes 0.00007 and 0.00017; TOPMed 0.00012; gnomAD 0.00022 and 0.00024.
gnomAD v4.1: 81 of 1,614,098 alleles (0.005%); highest among the groups gnomAD compares: Admixed American, 0.13%; no homozygotes.

Submissions (2):

Labcorp Genetics (formerly Invitae), Labcorp
Classification: Uncertain significance. Last evaluated: 2026-01-19. Review status: criteria provided, single submitter. Criteria: Invitae Variant Classification Sherloc (09022015). Collection method: clinical testing. Allele origin: germline.
Comment: This sequence change replaces glutamine, which is neutral and polar, with arginine, which is basic and polar, at codon 719 of the IMPG1 protein (p.Gln719Arg). This variant is present in population databases (rs777415260, gnomAD 0.1%). This variant has not been reported in the literature in individuals affected with IMPG1-related conditions. ClinVar contains an entry for this variant (Variation ID: 858082). An algorithm developed to predict the effect of missense changes on protein structure and function outputs the following: PolyPhen-2: "Benign". The arginine amino acid residue is found in multiple mammalian species, which suggests that this missense change does not adversely affect protein function. In summary, the available evidence is currently insufficient to determine the role of this variant in disease. Therefore, it has been classified as a Variant of Uncertain Significance.

Ambry Genetics
Classification: Uncertain significance. Last evaluated: 2025-06-11. Review status: criteria provided, single submitter. Criteria: Ambry Variant Classification Scheme 2023. Collection method: clinical testing. Allele origin: germline.

NM_001563.4(IMPG1):c.2156A>G (p.Gln719Arg)

Gene: IMPG1 (interphotoreceptor matrix proteoglycan 1; minus strand). Cytogenetic location: 6q14.1.
Variant type: single nucleotide variant.
Coding change: c.2156A>G on transcript NM_001563.4 (MANE Select); coding-DNA position 2156, A replaced by G.
Protein change: p.Gln719Arg; replaces glutamine 719 with arginine.
Molecular consequence: missense variant.
Genome position (GRCh38, 1-based): chr6:75,931,040, T>C on the plus strand (A>G on the coding strand, the complement: IMPG1 is on the minus strand). VCF-style: chr6-75931040-T-C. GRCh37 (hg19) VCF-style: chr6-76640757-T-C.
Other names: c.1922A>G, p.Gln641Arg (NM_001282368.2); c.2156A>G (NM_001563.2); short protein forms Q641R, Q719R.
Identifiers: ClinVar variation 858082 (VCV000858082.8), dbSNP rs777415260, ClinGen allele CA3897914.